The following is an entry in ClinVar:

ClinVar aggregate classification (germline): Uncertain significance (1 of 4 stars; one submission).

gnomAD v4.1: 1 of 1,592,582 alleles (0.000063%); highest among the groups gnomAD compares: Non-Finnish European, 0.000085%; no homozygotes.

Submission:

Labcorp Genetics (formerly Invitae), Labcorp
Classification: Uncertain significance. Last evaluated: 2026-02-03. Review status: criteria provided, single submitter. Criteria: Invitae Variant Classification Sherloc (09022015). Collection method: clinical testing. Allele origin: germline.
Comment: This sequence change replaces leucine, which is neutral and non-polar, with serine, which is neutral and polar, at codon 2270 of the ARID1A protein (p.Leu2270Ser). This variant is present in population databases (rs369917594, gnomAD 0.0009%). This variant has not been reported in the literature in individuals affected with ARID1A-related conditions. Invitae Evidence Modeling of protein sequence and biophysical properties (such as structural, functional, and spatial information, amino acid conservation, physicochemical variation, residue mobility, and thermodynamic stability) indicates that this missense variant is not expected to disrupt ARID1A protein function with a negative predictive value of 80%. In summary, the available evidence is currently insufficient to determine the role of this variant in disease. Therefore, it has been classified as a Variant of Uncertain Significance.

NM_006015.6(ARID1A):c.6809T>C (p.Leu2270Ser)

Gene: ARID1A (AT-rich interaction domain 1A; plus strand). Cytogenetic location: 1p36.11.
Variant type: single nucleotide variant.
Coding change: c.6809T>C on transcript NM_006015.6 (MANE Select); coding-DNA position 6809, T replaced by C.
Protein change: p.Leu2270Ser; replaces leucine 2270 with serine.
Molecular consequence: missense variant.
Genome position (GRCh38, 1-based): chr1:26,780,707, T>C. VCF-style: chr1-26780707-T-C. GRCh37 (hg19) VCF-style: chr1-27107198-T-C.
Other names: c.6158T>C, p.Leu2053Ser (NM_139135.4); short protein forms L2270S, L2053S.
Identifiers: ClinVar variation 4761469 (VCV004761469.1).